The following is an entry in ClinVar:

NM_000256.3(MYBPC3):c.3739G>A (p.Asp1247Asn)

Gene: MYBPC3 (myosin binding protein C3; minus strand). Cytogenetic location: 11p11.2.
Variant type: single nucleotide variant.
Coding change: c.3739G>A on transcript NM_000256.3 (MANE Select); coding-DNA position 3739, G replaced by A.
Protein change: p.Asp1247Asn; replaces aspartic acid 1247 with asparagine.
Molecular consequence: missense variant.
Genome position (GRCh38, 1-based): chr11:47,332,147, C>T on the plus strand (G>A on the coding strand, the complement: MYBPC3 is on the minus strand). VCF-style: chr11-47332147-C-T. GRCh37 (hg19) VCF-style: chr11-47353698-C-T.
Other names: short protein forms D1247N.
Identifiers: ClinVar variation 2060808 (VCV002060808.5), dbSNP rs1255776478, ClinGen allele CA054809.
Genomic context (GRCh38, chr11:47,332,147, plus strand): 5'-GGCACTCACACCGTGCCTCGCCCTGTAAGTTGGTGGCCCTGCAGACATAGATGCCCCCGT[C>T]AAAGGGGCAGGGCTTTCTAATCTCCAGAGTCAACACTCCCTGCTTGCTGAACATGCGGAA-3'
Protein context (NP_000247.2, residues 1237-1257): TLEIRKPCPF[Asp1247Asn]GGIYVCRATN

ClinVar aggregate classification (germline): Uncertain significance. Review status: criteria provided, multiple submitters, no conflicts (2 of 4 stars). 2 submissions from 2 submitters: Uncertain significance (2). Last evaluated 2025-12-08.

Conditions:
Cardiovascular phenotype. Identifiers: MedGen CN230736.
Hypertrophic cardiomyopathy. Also called: HYPERTROPHIC MYOCARDIOPATHY. Identifiers: Orphanet 217569, MedGen C0007194, MeSH D002312, MONDO:0005045, HP:0001639.

gnomAD v4.1: 3 of 1,613,760 alleles (0.00019%); highest among the groups gnomAD compares: Non-Finnish European, 0.00025%; no homozygotes.

Submissions (2):

Labcorp Genetics (formerly Invitae), Labcorp
Classification: Uncertain significance for Hypertrophic cardiomyopathy. Last evaluated: 2025-12-08. Review status: criteria provided, single submitter. Criteria: Invitae Variant Classification Sherloc (09022015). Collection method: clinical testing. Allele origin: germline.
Comment: This sequence change replaces aspartic acid, which is acidic and polar, with asparagine, which is neutral and polar, at codon 1247 of the MYBPC3 protein (p.Asp1247Asn). This variant is not present in population databases (gnomAD no frequency). This missense change has been observed in individual(s) with hypertrophic cardiomyopathy (PMID: 24793961, 27532257, 37652022). ClinVar contains an entry for this variant (Variation ID: 2060808). An algorithm developed to predict the effect of missense changes on protein structure and function (PolyPhen-2) suggests that this variant is likely to be disruptive. Algorithms developed to predict the effect of sequence changes on RNA splicing suggest that this variant may create or strengthen a splice site. In summary, the available evidence is currently insufficient to determine the role of this variant in disease. Therefore, it has been classified as a Variant of Uncertain Significance.

Molecular Diagnostic Laboratory for Inherited Cardiovascular Disease, Montreal Heart Institute
Classification: Uncertain significance for Cardiovascular phenotype. Last evaluated: 2025-07-24. Review status: criteria provided, single submitter. Criteria: ACMG Guidelines, 2015. Collection method: clinical testing. Allele origin: germline. Affected: yes.
Comment: PM2, PS4_supp, PP3

Literature cited by the submitters: PubMed 24793961 (cited by Labcorp Genetics (formerly Invitae), Labcorp); PubMed 27532257 (cited by Labcorp Genetics (formerly Invitae), Labcorp); PubMed 37652022 (cited by Labcorp Genetics (formerly Invitae), Labcorp).